The following is an entry in ClinVar:

NM_005051.3(QARS1):c.2215G>A (p.Asp739Asn)

Gene: QARS1 (glutaminyl-tRNA synthetase 1; minus strand). Cytogenetic location: 3p21.31.
Variant type: single nucleotide variant.
Coding change: c.2215G>A on transcript NM_005051.3 (MANE Select); coding-DNA position 2215, G replaced by A.
Protein change: p.Asp739Asn; replaces aspartic acid 739 with asparagine.
Molecular consequence: missense variant. On other transcripts: non-coding transcript variant (1).
Genome position (GRCh38, 1-based): chr3:49,098,054, C>T on the plus strand (G>A on the coding strand, the complement: QARS1 is on the minus strand). VCF-style: chr3-49098054-C-T. GRCh37 (hg19) VCF-style: chr3-49135487-C-T.
Other names: c.2182G>A, p.Asp728Asn (NM_001272073.2); c.2215G>A (NM_005051.1); short protein forms D739N, D728N.
Identifiers: ClinVar variation 857235 (VCV000857235.6), dbSNP rs749055007, ClinGen allele CA2391474.
Genomic context (GRCh38, chr3:49,098,054, plus strand): 5'-TTCCCTGATGGCTGTCTGGATCCACGGAGAAATATCCAAGACGCTCAAACTGGAACTTGT[C>T]GAAGGGTTTTGCCAGGGCCACAGAGCAGTCCACTAATGCTGCATCCACCACGTGTAGTGA-3'
Protein context (NP_005042.1, residues 729-749): DCSVALAKPF[Asp739Asn]KFQFERLGYF

ClinVar aggregate classification (germline): Conflicting classifications of pathogenicity. Review status: criteria provided, conflicting classifications (1 of 4 stars). 3 submissions from 3 submitters: Uncertain significance (2); Likely benign (1). Last evaluated 2024-08-20.

Conditions:
Inborn genetic diseases. Identifiers: MedGen C0950123, MeSH D030342.
Diffuse cerebral and cerebellar atrophy - intractable seizures - progressive microcephaly syndrome. Also called: Microcephaly, progressive, with seizures and cerebral and cerebellar atrophy. Identifiers: Orphanet 404437, MedGen C4014239, MONDO:0014335, OMIM 615760.

Allele frequency attached by ClinVar (database versions not stated): ExAC 0.00002; gnomAD exomes 0.00002; TOPMed 0.00002; gnomAD 0.00003 and 0.00004.

Submissions (3):

Ambry Genetics
Classification: Likely benign for Inborn genetic diseases. Last evaluated: 2024-08-20. Review status: criteria provided, single submitter. Criteria: Ambry Variant Classification Scheme 2023. Collection method: clinical testing. Allele origin: germline.

Labcorp Genetics (formerly Invitae), Labcorp
Classification: Uncertain significance for Diffuse cerebral and cerebellar atrophy - intractable seizures - progressive microcephaly syndrome. Last evaluated: 2022-09-27. Review status: criteria provided, single submitter. Criteria: Invitae Variant Classification Sherloc (09022015). Collection method: clinical testing. Allele origin: germline.
Comment: This sequence change replaces aspartic acid, which is acidic and polar, with asparagine, which is neutral and polar, at codon 739 of the QARS protein (p.Asp739Asn). This variant is present in population databases (rs749055007, gnomAD 0.004%). This variant has not been reported in the literature in individuals affected with QARS-related conditions. ClinVar contains an entry for this variant (Variation ID: 857235). Algorithms developed to predict the effect of missense changes on protein structure and function output the following: SIFT: "Tolerated"; PolyPhen-2: "Benign"; Align-GVGD: "Class C0". The asparagine amino acid residue is found in multiple mammalian species, which suggests that this missense change does not adversely affect protein function. In summary, the available evidence is currently insufficient to determine the role of this variant in disease. Therefore, it has been classified as a Variant of Uncertain Significance.

GeneDx
Classification: Uncertain significance. Last evaluated: 2019-07-23. Review status: criteria provided, single submitter. Criteria: GeneDx Variant Classification Process June 2021. Collection method: clinical testing. Allele origin: germline. Affected: yes.
Comment: Not observed at a significant frequency in large population cohorts (Lek et al., 2016); In silico analysis, which includes protein predictors and evolutionary conservation, supports a deleterious effect; Has not been previously published as pathogenic or benign to our knowledge